The following is an entry in ClinVar:

NM_005477.3(HCN4):c.2827C>T (p.Pro943Ser)

Gene: HCN4 (hyperpolarization activated cyclic nucleotide gated potassium channel 4; minus strand). Cytogenetic location: 15q24.1.
Variant type: single nucleotide variant.
Coding change: c.2827C>T on transcript NM_005477.3 (MANE Select); coding-DNA position 2827, C replaced by T.
Protein change: p.Pro943Ser; replaces proline 943 with serine.
Molecular consequence: missense variant.
Genome position (GRCh38, 1-based): chr15:73,323,266, G>A on the plus strand (C>T on the coding strand, the complement: HCN4 is on the minus strand). VCF-style: chr15-73323266-G-A. GRCh37 (hg19) VCF-style: chr15-73615607-G-A.
Other names: short protein forms P943S.
Identifiers: ClinVar variation 3613017 (VCV003613017.2).

ClinVar aggregate classification (germline): Uncertain significance (1 of 4 stars; one submission).

Conditions:
Brugada syndrome 8 (BRGDA8). Identifiers: Orphanet 130, MedGen C2751083, MONDO:0013148, OMIM 613123.

Submission:

Labcorp Genetics (formerly Invitae), Labcorp
Classification: Uncertain significance for Brugada syndrome 8. Last evaluated: 2025-06-15. Review status: criteria provided, single submitter. Criteria: Invitae Variant Classification Sherloc (09022015). Collection method: clinical testing. Allele origin: germline.
Comment: This sequence change replaces proline, which is neutral and non-polar, with serine, which is neutral and polar, at codon 943 of the HCN4 protein (p.Pro943Ser). This variant is not present in population databases (gnomAD no frequency). This variant has not been reported in the literature in individuals affected with HCN4-related conditions. ClinVar contains an entry for this variant (Variation ID: 3613017). Invitae Evidence Modeling of protein sequence and biophysical properties (such as structural, functional, and spatial information, amino acid conservation, physicochemical variation, residue mobility, and thermodynamic stability) indicates that this missense variant is not expected to disrupt HCN4 protein function with a negative predictive value of 95%. In summary, the available evidence is currently insufficient to determine the role of this variant in disease. Therefore, it has been classified as a Variant of Uncertain Significance.